The following is an entry in ClinVar:

ClinVar aggregate classification (germline): Benign/Likely benign. Review status: criteria provided, multiple submitters, no conflicts (2 of 4 stars). 7 submissions from 7 submitters: Benign (4); Likely benign (1). 2 of the submissions do not count toward it. Last evaluated 2026-02-03.

Conditions:
Cerebral arteriopathy, autosomal recessive, with subcortical infarcts and leukoencephalopathy 2. Also called: CEREBROVASCULAR DISEASE WITH THIN SKIN, ALOPECIA, AND DISC DISEASE; SUBCORTICAL VASCULAR ENCEPHALOPATHY, PROGRESSIVE; Cerebral autosomal recessive arteriopathy with subcortical infarcts and leukoencephalopathy; CARASIL syndrome; MAEDA SYNDROME. Identifiers: Orphanet 199354, MedGen C6022615, MONDO:0010829, OMIM 600142.

Allele frequency attached by ClinVar (database versions not stated): gnomAD 0.00841 and 0.01180; gnomAD exomes 0.00907 and 0.02118; TOPMed 0.01249; ExAC 0.03214; 1000 Genomes Project 30x 0.04872; 1000 Genomes Project 0.05072.
gnomAD v4.1: 12,482 of 1,297,084 alleles (0.96%); highest among the groups gnomAD compares: East Asian, 19%; 544 homozygotes.

Submissions (7):

Labcorp Genetics (formerly Invitae), Labcorp
Classification: Benign. Last evaluated: 2026-02-03. Review status: criteria provided, single submitter. Criteria: Invitae Variant Classification Sherloc (09022015). Collection method: clinical testing. Allele origin: germline.

Mayo Clinic Laboratories, Mayo Clinic
Classification: Benign. Last evaluated: 2024-01-31. Review status: criteria provided, single submitter. Criteria: ACMG Guidelines, 2015. Collection method: clinical testing. Allele origin: germline. Observed: 8 variant alleles.
Comment: BA1, BS2, BP4

GeneDx
Classification: Benign. Last evaluated: 2021-05-04. Review status: criteria provided, single submitter. Criteria: GeneDx Variant Classification Process June 2021. Collection method: clinical testing. Allele origin: germline. Affected: yes.

Athena Diagnostics
Classification: Benign for Cerebral arteriopathy, autosomal recessive, with subcortical infarcts and leukoencephalopathy 2. Last evaluated: 2017-05-31. Review status: criteria provided, single submitter. Criteria: Athena Diagnostics Criteria. Collection method: clinical testing. Allele origin: germline.

Breakthrough Genomics
Classification: Likely benign. Review status: criteria provided, single submitter. Criteria: ACMG Guidelines, 2015. Collection method: not provided. Allele origin: germline. Inheritance: Autosomal recessive inheritance. Affected: yes.

Genome Diagnostics Laboratory, Amsterdam University Medical Center
Classification: Benign. Review status: no assertion criteria provided. Collection method: clinical testing. Allele origin: germline. Affected: yes. Study: VKGL Data-share Consensus. Not counted in ClinVar's aggregate classification.

Laboratory of Diagnostic Genome Analysis, Leiden University Medical Center (LUMC)
Classification: Likely benign. Review status: no assertion criteria provided. Collection method: clinical testing. Allele origin: germline. Affected: yes. Study: VKGL Data-share Consensus. Not counted in ClinVar's aggregate classification.

Literature cited by the submitters: PubMed 36047879 (cited by Mayo Clinic Laboratories, Mayo Clinic); PubMed 18316707 (cited by Athena Diagnostics).

NM_002775.5(HTRA1):c.59C>T (p.Ala20Val)

Gene: HTRA1 (HtrA serine peptidase 1; plus strand). Cytogenetic location: 10q26.13.
Variant type: single nucleotide variant.
Coding change: c.59C>T on transcript NM_002775.5 (MANE Select); coding-DNA position 59, C replaced by T.
Protein change: p.Ala20Val; replaces alanine 20 with valine.
Molecular consequence: missense variant.
Genome position (GRCh38, 1-based): chr10:122,461,711, C>T. VCF-style: chr10-122461711-C-T. GRCh37 (hg19) VCF-style: chr10-124221227-C-T.
Other names: short protein forms A20V.
Identifiers: ClinVar variation 299044 (VCV000299044.20), dbSNP rs369149111, ClinGen allele CA5725791.